The following is an entry in ClinVar:

NM_152703.5(SAMD9L):c.4414G>A (p.Ala1472Thr)

Gene: SAMD9L (sterile alpha motif domain containing 9 like; minus strand). Cytogenetic location: 7q21.2.
Variant type: single nucleotide variant.
Coding change: c.4414G>A on transcript NM_152703.5 (MANE Select); coding-DNA position 4414, G replaced by A.
Protein change: p.Ala1472Thr; replaces alanine 1472 with threonine.
Molecular consequence: missense variant.
Genome position (GRCh38, 1-based): chr7:93,131,558, C>T on the plus strand (G>A on the coding strand, the complement: SAMD9L is on the minus strand). VCF-style: chr7-93131558-C-T. GRCh37 (hg19) VCF-style: chr7-92760871-C-T.
Other names: c.4414G>A, p.Ala1472Thr (NM_001303496.3, NM_001303497.3, NM_001303498.3 and 5 more transcripts); short protein forms A1472T.
Identifiers: ClinVar variation 2829637 (VCV002829637.3), dbSNP rs2535403087, ClinGen allele CA368173851.

ClinVar aggregate classification (germline): Uncertain significance (1 of 4 stars; one submission).

Submission:

Labcorp Genetics (formerly Invitae), Labcorp
Classification: Uncertain significance. Last evaluated: 2025-03-03. Review status: criteria provided, single submitter. Criteria: Invitae Variant Classification Sherloc (09022015). Collection method: clinical testing. Allele origin: germline.
Comment: This sequence change replaces alanine, which is neutral and non-polar, with threonine, which is neutral and polar, at codon 1472 of the SAMD9L protein (p.Ala1472Thr). This variant is not present in population databases (gnomAD no frequency). This variant has not been reported in the literature in individuals affected with SAMD9L-related conditions. ClinVar contains an entry for this variant (Variation ID: 2829637). Invitae Evidence Modeling of protein sequence and biophysical properties (such as structural, functional, and spatial information, amino acid conservation, physicochemical variation, residue mobility, and thermodynamic stability) indicates that this missense variant is not expected to disrupt SAMD9L protein function with a negative predictive value of 80%. In summary, the available evidence is currently insufficient to determine the role of this variant in disease. Therefore, it has been classified as a Variant of Uncertain Significance.